The following is an entry in ClinVar:

NM_000071.3(CBS):c.955-2A>G

Gene: CBS (cystathionine beta-synthase; minus strand). Cytogenetic location: 21q22.3.
Variant type: single nucleotide variant.
Coding change: c.955-2A>G on transcript NM_000071.3 (MANE Select); the canonical splice acceptor site of the intron before coding-DNA position 955, A replaced by G.
Molecular consequence: splice acceptor variant.
Genome position (GRCh38, 1-based): chr21:43,062,397, T>C on the plus strand (A>G on the coding strand, the complement: CBS is on the minus strand). VCF-style: chr21-43062397-T-C. GRCh37 (hg19) VCF-style: chr21-44482507-T-C.
Other names: c.955-2A>G (NM_001320298.2, NM_001178009.3, NM_001178008.3); c.640-2A>G (NM_001321072.1).
Identifiers: ClinVar variation 2445681 (VCV002445681.1), dbSNP rs2517425362, ClinGen allele CA410599924.
Genomic context (GRCh38, chr21:43,062,397, plus strand): 5'-AGCATGCGGGCAAAGGTGAACGCCTCCTCATCGTTGCTCTTGAACCACTTGTCCACCACC[T>C]GAGCAGGACCCCACCACAGCCCGTCAGCGTGGGAGCCGCTCCCACGTGACCAAGAGGGTG-3'

ClinVar aggregate classification (germline): Likely pathogenic (1 of 4 stars; one submission).

Conditions:
Homocystinuria. Identifiers: MedGen C0019880, MONDO:0004737, HP:0002156.

Submission:

Women's Health and Genetics/Laboratory Corporation of America, LabCorp
Classification: Likely pathogenic for Homocystinuria. Last evaluated: 2023-02-27. Review status: criteria provided, single submitter. Criteria: LabCorp Variant Classification Summary - May 2015. Collection method: clinical testing. Allele origin: germline.
Comment: Variant summary: CBS c.955-2A>G is located in a canonical splice-site and is predicted to affect mRNA splicing resulting in a significantly altered protein due to either exon skipping, shortening, or inclusion of intronic material. Several computational tools predict a significant impact on normal splicing: Three predict the variant abolishes a 3' acceptor site. However, these predictions have yet to be confirmed by functional studies. The variant was absent in 249968 control chromosomes. To our knowledge, no occurrence of c.955-2A>G in individuals affected with Homocystinuria and no experimental evidence demonstrating its impact on protein function have been reported. No clinical diagnostic laboratories have submitted clinical-significance assessments for this variant to ClinVar after 2014. Based on the evidence outlined above, the variant was classified as likely pathogenic.